The following is an entry in ClinVar:

NM_002855.5(NECTIN1):c.81C>T (p.Gly27=)

Gene: NECTIN1 (nectin cell adhesion molecule 1; minus strand). Cytogenetic location: 11q23.3.
Variant type: single nucleotide variant.
Coding change: c.81C>T on transcript NM_002855.5 (MANE Select); coding-DNA position 81, C replaced by T.
Protein change: p.Gly27=; no amino-acid change (glycine 27 retained).
Molecular consequence: synonymous variant.
Genome position (GRCh38, 1-based): chr11:119,678,764, G>A on the plus strand (C>T on the coding strand, the complement: NECTIN1 is on the minus strand). VCF-style: chr11-119678764-G-A. GRCh37 (hg19) VCF-style: chr11-119549474-G-A.
Other names: c.81C>T, p.Gly27= (NM_203285.2, NM_203286.2).
Identifiers: ClinVar variation 3049826 (VCV003049826.4), dbSNP rs111750499, ClinGen allele CA6322171.

ClinVar aggregate classification (germline): Likely benign. Review status: criteria provided, single submitter (1 of 4 stars). 2 submissions from 2 submitters: Likely benign (1). 1 of the submissions does not count toward it. Last evaluated 2026-06-01.

Conditions:
NECTIN1-related disorder. Also called: NECTIN1-related condition.

gnomAD v4.1: 6 of 1,601,030 alleles (0.00037%); highest among the groups gnomAD compares: Admixed American, 0.0069%; no homozygotes.

Submissions (2):

CeGaT Center for Human Genetics Tuebingen
Classification: Likely benign. Last evaluated: 2026-06-01. Review status: criteria provided, single submitter. Criteria: CeGaT Center For Human Genetics Tuebingen Variant Classification Criteria Version 2. Collection method: clinical testing. Allele origin: germline. Affected: yes. Observed: 1 variant allele.
Comment: NECTIN1: BP4, BP7

PreventionGenetics, part of Exact Sciences
Classification: Likely benign for NECTIN1-related condition. Last evaluated: 2019-08-01. Review status: no assertion criteria provided. Collection method: clinical testing. Allele origin: germline. Not counted in ClinVar's aggregate classification.
Comment: This variant is classified as likely benign based on ACMG/AMP sequence variant interpretation guidelines (Richards et al. 2015 PMID: 25741868, with internal and published modifications).